The following is an entry in ClinVar:

NM_000166.6(GJB1):c.462T>G (p.Tyr154Ter)

Gene: GJB1 (gap junction protein beta 1; plus strand). Cytogenetic location: Xq13.1.
Variant type: single nucleotide variant.
Coding change: c.462T>G on transcript NM_000166.6 (MANE Select); coding-DNA position 462, T replaced by G.
Protein change: p.Tyr154Ter; replaces tyrosine 154 with a stop codon.
Molecular consequence: nonsense.
Genome position (GRCh38, 1-based): chrX:71,224,169, T>G. VCF-style: chrX-71224169-T-G. GRCh37 (hg19) VCF-style: chrX-70444019-T-G.
Other names: c.462T>G, p.Tyr154Ter (NM_001097642.3); short protein forms Y154*.
Identifiers: ClinVar variation 246097 (VCV000246097.12), dbSNP rs879254098, ClinGen allele CA10584642.

ClinVar aggregate classification (germline): Pathogenic. Review status: criteria provided, multiple submitters, no conflicts (2 of 4 stars). 2 submissions from 2 submitters: Pathogenic (2). Last evaluated 2023-10-06.

Conditions:
Charcot-Marie-Tooth Neuropathy X. Identifiers: MedGen CN118851.

Submissions (2):

Labcorp Genetics (formerly Invitae), Labcorp
Classification: Pathogenic for Charcot-Marie-Tooth Neuropathy X. Last evaluated: 2023-10-06. Review status: criteria provided, single submitter. Criteria: Invitae Variant Classification Sherloc (09022015). Collection method: clinical testing. Allele origin: germline.
Comment: This sequence change creates a premature translational stop signal (p.Tyr154*) in the GJB1 gene. While this is not anticipated to result in nonsense mediated decay, it is expected to disrupt the last 130 amino acid(s) of the GJB1 protein. This variant is not present in population databases (gnomAD no frequency). This premature translational stop signal has been observed in individuals with Charcot-Marie-Tooth disease (PMID: 16096811, 31948496). It has also been observed to segregate with disease in related individuals. ClinVar contains an entry for this variant (Variation ID: 246097). This variant disrupts a region of the GJB1 protein in which other variant(s) (p.Ala271Trpfs*4) have been determined to be pathogenic (Invitae). This suggests that this is a clinically significant region of the protein, and that variants that disrupt it are likely to be disease-causing. For these reasons, this variant has been classified as Pathogenic.

GeneDx
Classification: Pathogenic. Last evaluated: 2016-01-14. Review status: criteria provided, single submitter. Criteria: GeneDx Variant Classification (06012015). Collection method: clinical testing. Allele origin: germline. Affected: yes.
Comment: The Y154X pathogenic variant in the GJB1 gene has been previously reported in association with CMTX1 (Bone et al., 1997). It was not observed in approximately 6,500 individuals of European and African American ancestry in the NHLBI Exome Sequencing Project, indicating is it not a common benign variant in these populations. It is predicted to cause loss of normal protein function through protein truncation as the last 130 amino acid residues are lost. This result is suggestive of mosaicism for the Y154X pathogenic variant in the GJB1 gene, as the mutant allele was present but underrepresented in comparison to the normal allele. This result was confirmed using alternative, non-overlapping primers, making it unlikely that this result is due to uneven DNA amplification. Therefore, this pathogenic variant is interpreted to be present in some, but not all, cells in this peripheral blood specimen. Sanger sequencing is not a quantitative test; thus, it is not possible to determine more precisely the level of mosaicism in this specimen. The level of mosaicism may be different in other tissues.

Literature cited by the submitters: PubMed 16096811 (cited by Labcorp Genetics (formerly Invitae), Labcorp); PubMed 31948496 (cited by Labcorp Genetics (formerly Invitae), Labcorp).